The following is an entry in ClinVar:

NM_005228.5(EGFR):c.3058C>G (p.Gln1020Glu)

Gene: EGFR (epidermal growth factor receptor; plus strand). Cytogenetic location: 7p11.2.
Variant type: single nucleotide variant.
Coding change: c.3058C>G on transcript NM_005228.5 (MANE Select); coding-DNA position 3058, C replaced by G.
Protein change: p.Gln1020Glu; replaces glutamine 1020 with glutamic acid.
Molecular consequence: missense variant.
Genome position (GRCh38, 1-based): chr7:55,201,299, C>G. VCF-style: chr7-55201299-C-G. GRCh37 (hg19) VCF-style: chr7-55268992-C-G.
Other names: c.2923C>G, p.Gln975Glu (NM_001346897.2, NM_001346899.2); c.3058C>G, p.Gln1020Glu (NM_001346898.2); c.2899C>G, p.Gln967Glu (NM_001346900.2); c.2257C>G, p.Gln753Glu (NM_001346941.2); short protein forms Q1020E, Q967E, Q753E, Q975E.
Identifiers: ClinVar variation 1357282 (VCV001357282.8), dbSNP rs1787838140, ClinGen allele CA367582581.

ClinVar aggregate classification (germline): Uncertain significance (1 of 4 stars; one submission).

Conditions:
EGFR-related lung cancer (EGFR). Identifiers: MedGen CN130014.

Allele frequency attached by ClinVar (database versions not stated): gnomAD exomes 0.00001.
gnomAD v4.1: 4 of 1,614,018 alleles (0.00025%); no homozygotes.

Submission:

Labcorp Genetics (formerly Invitae), Labcorp
Classification: Uncertain significance for EGFR-related lung cancer. Last evaluated: 2021-06-13. Review status: criteria provided, single submitter. Criteria: Invitae Variant Classification Sherloc (09022015). Collection method: clinical testing. Allele origin: germline.
Comment: This variant is not present in population databases (ExAC no frequency). This sequence change replaces glutamine with glutamic acid at codon 1020 of the EGFR protein (p.Gln1020Glu). The glutamine residue is weakly conserved and there is a small physicochemical difference between glutamine and glutamic acid. This variant has not been reported in the literature in individuals with EGFR-related conditions. In summary, the available evidence is currently insufficient to determine the role of this variant in disease. Therefore, it has been classified as a Variant of Uncertain Significance. Algorithms developed to predict the effect of sequence changes on RNA splicing suggest that this variant may create or strengthen a splice site, but this prediction has not been confirmed by published transcriptional studies. Algorithms developed to predict the effect of missense changes on protein structure and function (SIFT, PolyPhen-2, Align-GVGD) all suggest that this variant is likely to be tolerated, but these predictions have not been confirmed by published functional studies and their clinical significance is uncertain.